The following is an entry in ClinVar:

NM_000038.6(APC):c.6081C>A (p.Leu2027=)

Gene: APC (APC regulator of Wnt signaling pathway; plus strand). Cytogenetic location: 5q22.2.
Variant type: single nucleotide variant.
Coding change: c.6081C>A on transcript NM_000038.6 (MANE Select); coding-DNA position 6081, C replaced by A.
Protein change: p.Leu2027=; no amino-acid change (leucine 2027 retained).
Molecular consequence: synonymous variant.
Genome position (GRCh38, 1-based): chr5:112,841,675, C>A. VCF-style: chr5-112841675-C-A. GRCh37 (hg19) VCF-style: chr5-112177372-C-A.
Other names: c.6081C>A, p.Leu2027= (NM_001127510.3, NM_001354895.2); c.6027C>A, p.Leu2009= (NM_001127511.3); c.6135C>A, p.Leu2045= (NM_001354896.2); c.6111C>A, p.Leu2037= (NM_001354897.2); c.6006C>A, p.Leu2002= (NM_001354898.2); c.5997C>A, p.Leu1999= (NM_001354899.2); c.5958C>A, p.Leu1986= (NM_001354900.2); c.5904C>A, p.Leu1968= (NM_001354901.2); and 5 more.
Identifiers: ClinVar variation 801039 (VCV000801039.14), dbSNP rs1316220949, ClinGen allele CA446209018.

ClinVar aggregate classification (germline): Conflicting classifications of pathogenicity. Review status: criteria provided, conflicting classifications (1 of 4 stars). 4 submissions from 4 submitters: Uncertain significance (1); Benign (1); Likely benign (2). Last evaluated 2026-03-13.

Conditions:
Hereditary cancer-predisposing syndrome. Also called: Tumor predisposition; Neoplastic Syndromes, Hereditary; Hereditary Cancer Syndrome; Hereditary neoplastic syndrome. Identifiers: Orphanet 140162, MedGen C0027672, MeSH D009386, MONDO:0015356.
Familial adenomatous polyposis 1 (FAP1). Also called: POLYPOSIS, ADENOMATOUS INTESTINAL; FAMILIAL ADENOMATOUS POLYPOSIS 1, ATTENUATED. Identifiers: MedGen C2713442, MONDO:0021056, OMIM 175100. Disease mechanism: loss of function.

Submissions (4):

Ambry Genetics
Classification: Likely benign for Hereditary cancer-predisposing syndrome. Last evaluated: 2026-03-13. Review status: criteria provided, single submitter. Criteria: Ambry Variant Classification Scheme 2023. Collection method: clinical testing. Allele origin: germline.

Myriad Genetics, Inc.
Classification: Benign for Familial adenomatous polyposis 1. Last evaluated: 2024-04-03. Review status: criteria provided, single submitter. Criteria: Myriad Autosomal Dominant, Autosomal Recessive and X-Linked Classification Criteria (2023). Collection method: clinical testing. Allele origin: unknown.
Comment: This variant is considered benign. This variant is a silent/synonymous amino acid change and it is not expected to impact splicing.

Labcorp Genetics (formerly Invitae), Labcorp
Classification: Likely benign for Familial adenomatous polyposis 1. Last evaluated: 2022-10-04. Review status: criteria provided, single submitter. Criteria: Invitae Variant Classification Sherloc (09022015). Collection method: clinical testing. Allele origin: germline.

Quest Diagnostics Nichols Institute San Juan Capistrano
Classification: Uncertain significance. Last evaluated: 2018-12-31. Review status: criteria provided, single submitter. Criteria: Quest Diagnostics criteria. Collection method: clinical testing. Allele origin: germline.